The following is an entry in ClinVar:

ClinVar aggregate classification (germline): Uncertain significance. Review status: criteria provided, multiple submitters, no conflicts (2 of 4 stars). 3 submissions from 3 submitters: Uncertain significance (3). Last evaluated 2025-12-14.

Conditions:
Progressive familial heart block type IB (PFHB1B). Identifiers: Orphanet 871, MedGen C1970298, MONDO:0011474, OMIM 604559.
Cardiovascular phenotype. Identifiers: MedGen CN230736.

Allele frequency attached by ClinVar (database versions not stated): gnomAD 0.00001; TOPMed 0.00001.
gnomAD v4.1: 22 of 1,613,762 alleles (0.0014%); highest among the groups gnomAD compares: Non-Finnish European, 0.0019%; no homozygotes.

Submissions (3):

Labcorp Genetics (formerly Invitae), Labcorp
Classification: Uncertain significance for Progressive familial heart block type IB. Last evaluated: 2025-12-14. Review status: criteria provided, single submitter. Criteria: Invitae Variant Classification Sherloc (09022015). Collection method: clinical testing. Allele origin: germline.
Comment: This sequence change replaces phenylalanine, which is neutral and non-polar, with leucine, which is neutral and non-polar, at codon 15 of the TRPM4 protein (p.Phe15Leu). This variant is not present in population databases (gnomAD no frequency). This missense change has been observed in individual(s) with clinical features of TRPM4-related conditions (PMID: 35753512). ClinVar contains an entry for this variant (Variation ID: 1366819). An algorithm developed to predict the effect of missense changes on protein structure and function (PolyPhen-2) suggests that this variant is likely to be disruptive. In summary, the available evidence is currently insufficient to determine the role of this variant in disease. Therefore, it has been classified as a Variant of Uncertain Significance.

GeneDx
Classification: Uncertain significance. Last evaluated: 2024-07-29. Review status: criteria provided, single submitter. Criteria: GeneDx Variant Classification Process June 2021. Collection method: clinical testing. Allele origin: germline. Affected: yes.
Comment: Has not been previously published as pathogenic or benign to our knowledge; Not observed at significant frequency in large population cohorts (gnomAD); In silico analysis indicates that this missense variant does not alter protein structure/function

Ambry Genetics
Classification: Uncertain significance for Cardiovascular phenotype. Last evaluated: 2024-06-12. Review status: criteria provided, single submitter. Criteria: Ambry Variant Classification Scheme 2023. Collection method: clinical testing. Allele origin: germline.
Comment: The p.F15L variant (also known as c.45C>A), located in coding exon 2 of the TRPM4 gene, results from a C to A substitution at nucleotide position 45. The phenylalanine at codon 15 is replaced by leucine, an amino acid with highly similar properties. This amino acid position is well conserved in available vertebrate species. In addition, this alteration is predicted to be tolerated by in silico analysis. Based on the available evidence, the clinical significance of this variant remains unclear.

Literature cited by the submitters: PubMed 35753512 (cited by Labcorp Genetics (formerly Invitae), Labcorp).

NM_017636.4(TRPM4):c.45C>A (p.Phe15Leu)

Gene: TRPM4 (transient receptor potential cation channel subfamily M member 4; plus strand). Cytogenetic location: 19q13.33.
Variant type: single nucleotide variant.
Coding change: c.45C>A on transcript NM_017636.4 (MANE Select); coding-DNA position 45, C replaced by A.
Protein change: p.Phe15Leu; replaces phenylalanine 15 with leucine.
Molecular consequence: missense variant. On other transcripts: 5 prime UTR variant (3).
Genome position (GRCh38, 1-based): chr19:49,158,212, C>A. VCF-style: chr19-49158212-C-A. GRCh37 (hg19) VCF-style: chr19-49661469-C-A.
Other names: c.45C>A, p.Phe15Leu (NM_001195227.2, NM_001321281.2); c.-1328C>A (NM_001321282.2); c.-122C>A (NM_001321283.2); c.-285C>A (NM_001321285.2); c.45C>A (NM_017636.3); short protein forms F15L.
Identifiers: ClinVar variation 1366819 (VCV001366819.11), dbSNP rs1009277467, ClinGen allele CA309425015.